The following is an entry in ClinVar:

ClinVar aggregate classification (germline): Uncertain significance. Review status: criteria provided, multiple submitters, no conflicts (2 of 4 stars). 3 submissions from 3 submitters: Uncertain significance (3). Last evaluated 2026-01-28.

Conditions:
Inborn genetic diseases. Identifiers: MedGen C0950123, MeSH D030342.
Cerebellar atrophy, visual impairment, and psychomotor retardation;. Also called: Cerebellar atrophy, visual impairment, and psychomotor retardation. Identifiers: MedGen C4225172, MONDO:0014811, OMIM 616875.

Allele frequency attached by ClinVar (database versions not stated): gnomAD exomes 0.00006; ExAC 0.00007; ESP Exome Variant Server 0.00008; gnomAD 0.00022 and 0.00024; TOPMed 0.00025; 1000 Genomes Project 0.00080; 1000 Genomes Project 30x 0.00094.

Submissions (3):

Labcorp Genetics (formerly Invitae), Labcorp
Classification: Uncertain significance. Last evaluated: 2026-01-28. Review status: criteria provided, single submitter. Criteria: Invitae Variant Classification Sherloc (09022015). Collection method: clinical testing. Allele origin: germline.
Comment: This sequence change replaces glutamine, which is neutral and polar, with arginine, which is basic and polar, at codon 35 of the EMC1 protein (p.Gln35Arg). This variant is present in population databases (rs147726649, gnomAD 0.07%). This variant has not been reported in the literature in individuals affected with EMC1-related conditions. ClinVar contains an entry for this variant (Variation ID: 1029344). Invitae Evidence Modeling of protein sequence and biophysical properties (such as structural, functional, and spatial information, amino acid conservation, physicochemical variation, residue mobility, and thermodynamic stability) has been performed for this missense variant. However, the output from this modeling did not meet the statistical confidence thresholds required to predict the impact of this variant on EMC1 protein function. In summary, the available evidence is currently insufficient to determine the role of this variant in disease. Therefore, it has been classified as a Variant of Uncertain Significance.

Ambry Genetics
Classification: Uncertain significance for Inborn genetic diseases. Last evaluated: 2025-11-26. Review status: criteria provided, single submitter. Criteria: Ambry Variant Classification Scheme 2023. Collection method: clinical testing. Allele origin: germline.

Baylor Genetics
Classification: Uncertain significance for Cerebellar atrophy, visual impairment, and psychomotor retardation;. Last evaluated: 2019-02-08. Review status: criteria provided, single submitter. Criteria: ACMG Guidelines, 2015. Collection method: clinical testing. Allele origin: unknown. Affected: yes.
Comment: This variant was determined to be of uncertain significance according to ACMG Guidelines, 2015 [PMID:25741868].

NM_015047.3(EMC1):c.104A>G (p.Gln35Arg)

Gene: EMC1 (ER membrane protein complex subunit 1; minus strand). Cytogenetic location: 1p36.13.
Variant type: single nucleotide variant.
Coding change: c.104A>G on transcript NM_015047.3 (MANE Select); coding-DNA position 104, A replaced by G.
Protein change: p.Gln35Arg; replaces glutamine 35 with arginine.
Molecular consequence: missense variant.
Genome position (GRCh38, 1-based): chr1:19,245,022, T>C on the plus strand (A>G on the coding strand, the complement: EMC1 is on the minus strand). VCF-style: chr1-19245022-T-C. GRCh37 (hg19) VCF-style: chr1-19571516-T-C.
Other names: c.104A>G, p.Gln35Arg (NM_001271427.2, NM_001271428.2, NM_001271429.2 and 2 more transcripts); c.104A>G (NM_015047.1); short protein forms Q35R.
Identifiers: ClinVar variation 1029344 (VCV001029344.8), dbSNP rs147726649, ClinGen allele CA653046.